The following is an entry in ClinVar:

NM_004333.6(BRAF):c.980+1615C>T

Gene: BRAF (B-Raf proto-oncogene, serine/threonine kinase; minus strand). Cytogenetic location: 7q34.
Variant type: single nucleotide variant.
Coding change: c.980+1615C>T on transcript NM_004333.6 (MANE Select); 1615 bases into the intron after coding-DNA position 980, C replaced by T.
Molecular consequence: intron variant.
Genome position (GRCh38, 1-based): chr7:140,798,747, G>A on the plus strand (C>T on the coding strand, the complement: BRAF is on the minus strand). VCF-style: chr7-140798747-G-A. GRCh37 (hg19) VCF-style: chr7-140498547-G-A.
Other names: c.980+1615C>T (NM_001378474.1, NM_001378471.1, NM_001378468.1 and 4 more transcripts); c.878+1615C>T (NM_001378470.1); c.716+1615C>T (NM_001378475.1); c.989+1615C>T (NM_001378467.1); c.824+1615C>T (NM_001378472.1, NM_001378473.1).
Identifiers: ClinVar variation 2658089 (VCV002658089.24), dbSNP rs781052087, ClinGen allele CA168104463.

ClinVar aggregate classification (germline): Likely benign (1 of 4 stars; one submission).

Allele frequency attached by ClinVar (database versions not stated): gnomAD 0.00057; TOPMed 0.00058.
gnomAD v4.1: 85 of 151,894 alleles (0.056%); highest among the groups gnomAD compares: Non-Finnish European, 0.1%; no homozygotes.

Submission:

CeGaT Center for Human Genetics Tuebingen
Classification: Likely benign. Last evaluated: 2025-10-01. Review status: criteria provided, single submitter. Criteria: CeGaT Center For Human Genetics Tuebingen Variant Classification Criteria Version 2. Collection method: clinical testing. Allele origin: germline. Affected: yes. Observed: 5 variant alleles.
Comment: BRAF: BS1